The following is an entry in ClinVar:

ClinVar aggregate classification (germline): Pathogenic. Review status: criteria provided, multiple submitters, no conflicts (2 of 4 stars). 10 submissions from 10 submitters: Pathogenic (8). 2 of the submissions do not count toward it. Last evaluated 2026-08-24.

Conditions:
HGSNAT-related disorders.
HGSNAT-related disorder. Also called: HGSNAT-related condition.
Sanfilippo syndrome. Also called: Mucopolysaccharidosis type 3; Sanfilippo disease; Mucopolysaccharidosis Type III. Identifiers: Orphanet 581, MedGen C0026706, MONDO:0018937.
Retinitis pigmentosa 73 (RP73). Identifiers: Orphanet 791, MedGen C4225287, MONDO:0014687, OMIM 616544.
Mucopolysaccharidosis, MPS-III-C (MPS3C). Also called: MPS IIIC (Sanfilippo Syndrome Type C); MUCOPOLYSACCHARIDOSIS, TYPE IIIC; SANFILIPPO SYNDROME C; Mucopolysaccharidosis type IIIC (Sanfilippo C); MPS III C; mucopolysaccharidosis type 3C. Identifiers: Orphanet 581, Orphanet 79271, MedGen C0086649, MONDO:0009657, OMIM 252930.

Allele frequency attached by ClinVar (database versions not stated): ExAC 0.00002; gnomAD exomes 0.00003 and 0.00001; gnomAD 0.00001 and 0.00002; TOPMed 0.00007.
gnomAD v4.1: 23 of 1,603,344 alleles (0.0014%); highest among the groups gnomAD compares: Admixed American, 0.012%; no homozygotes.

Submissions (10):

PreventionGenetics, part of Exact Sciences
Classification: Pathogenic for HGSNAT-related condition. Last evaluated: 2026-08-24. Review status: criteria provided, single submitter. Criteria: ACMG Guidelines, 2015. Collection method: clinical testing. Allele origin: germline.
Comment: The HGSNAT c.372-2A>G variant is predicted to disrupt the AG splice acceptor site and interfere with normal splicing. This variant has been reported in the homozygous and compound heterozygous states in individuals with mucopolysaccharidosis IIIC (Coutinho et al. 2008. PubMed ID: 18518886; Canals et al. 2010. PubMed ID: 20825431) and in an individual with non-syndromic retinitis pigmentosa (da Palma et al. 2024. PubMed ID: 37592806). This variant is present in 0.019% of alleles in individuals of Latino descent in gnomAD. Variants that disrupt the consensus splice acceptor site in HGSNAT are an established mechanism of disease. This variant is interpreted as pathogenic.

Natera, Inc.
Classification: Pathogenic for Mucopolysaccharidosis type IIIC. Last evaluated: 2025-12-10. Review status: criteria provided, single submitter. Criteria: Natera Variant Classification Schema (03/2026). Collection method: clinical testing. Allele origin: germline.
Comment: The c.372-2A>G variant in HGSNAT is a canonical splice acceptor site variant predicted to affect pre-mRNA splicing, which may result in an abnormal transcript and altered protein product. This variant is expected to result in nonsense mediated decay, truncation, or a dysfunctional protein product. This variant is rare in the general population with a frequency below the threshold expected for the associated phenotype(s). This variant has been observed in one or more individuals affected with the associated recessive disease, as either homozygous or compound heterozygous with a second variant (PMID: 31228227). Given the available evidence, this variant is classified as Pathogenic.

Labcorp Genetics (formerly Invitae), Labcorp
Classification: Pathogenic for Retinitis pigmentosa 73; Mucopolysaccharidosis, MPS-III-C. Last evaluated: 2025-09-24. Review status: criteria provided, single submitter. Criteria: Invitae Variant Classification Sherloc (09022015). Collection method: clinical testing. Allele origin: germline.
Comment: This sequence change affects an acceptor splice site in intron 3 of the HGSNAT gene. It is expected to disrupt RNA splicing. Variants that disrupt the donor or acceptor splice site typically lead to a loss of protein function (PMID: 16199547), and loss-of-function variants in HGSNAT are known to be pathogenic (PMID: 17033958, 19479962, 25859010). This variant is present in population databases (rs483352896, gnomAD 0.02%). Disruption of this splice site has been observed in individual(s) with mucopolysaccharidosis type III/Sanfilippo syndrome (PMID: 18518886, 20825431). ClinVar contains an entry for this variant (Variation ID: 1236). Studies have shown that this variant is associated with altered splicing, but the impact on the resulting protein product is unknown (PMID: 18518886, 20825431). For these reasons, this variant has been classified as Pathogenic.

GeneDx
Classification: Pathogenic. Last evaluated: 2024-12-20. Review status: criteria provided, single submitter. Criteria: GeneDx Variant Classification Process June 2021. Collection method: clinical testing. Allele origin: germline. Affected: yes.
Comment: Canonical splice site variant predicted to result in a null allele in a gene for which loss of function is a known mechanism of disease; This variant is associated with the following publications: (PMID: 25525159, 18518886, 31589614, 31964843, 37592806, 31228227, 25491247, 20825431)

Dasa
Classification: Pathogenic. Last evaluated: 2024-08-31. Review status: criteria provided, single submitter. Criteria: DASA Assertion Criteria. Collection method: clinical testing. Allele origin: germline.
Comment: NM_152419.3(HGSNAT):c.372-2A>G affects a canonical splice site and is predicted to disrupt normal RNA splicing, leading to loss of normal protein function. Loss-of-function is an established mechanism of disease for this gene. Based on the available data, this variant is classified as pathogenic.

Blueprint Genetics
Classification: Pathogenic for HGSNAT-related disorders. Last evaluated: 2024-04-29. Review status: criteria provided, single submitter. Criteria: ACMG Guidelines, 2015. Collection method: clinical testing. Allele origin: germline. Affected: yes. Observed: 5 variant alleles.

Fulgent Genetics
Classification: Pathogenic for Mucopolysaccharidosis, MPS-III-C; Retinitis pigmentosa 73. Last evaluated: 2022-03-21. Review status: criteria provided, single submitter. Criteria: ACMG Guidelines, 2015. Collection method: clinical testing. Allele origin: unknown.

Women's Health and Genetics/Laboratory Corporation of America, LabCorp
Classification: Pathogenic for Sanfilippo syndrome. Last evaluated: 2016-08-18. Review status: criteria provided, single submitter. Criteria: LabCorp Variant Classification Summary - May 2015. Collection method: clinical testing. Allele origin: germline.
Comment: Variant summary: The HGSNAT c.372-2A>G variant involves the alteration of a conserved intronic nucleotide. One in silico tool predicts a damaging outcome for this variant. 5/5 splice prediction tools predict loss of a canonical splicing acceptor site. ESEfinder predicts gain of binding motif for RNA splicing enhancer SRp40. This variant was found in 2/89484 control chromosomes at a frequency of 0.0000224, which does not exceed the estimated maximal expected allele frequency of a pathogenic HGSNAT variant (0.001). This variant has been reported in multiple MPSIIIC patients both as homozygotes and compound heterozygotes. Functional studies showed that this variant cause aberrant splicing and significantly decreased enzyme activity. In addition, multiple reputable databases classified this variant as pathogenic. Taken together, this variant is classified as pathogenic.

Counsyl
Classification: Pathogenic for Mucopolysaccharidosis, MPS-III-C. Last evaluated: 2017-06-29. Review status: no assertion criteria provided. Collection method: clinical testing. Allele origin: unknown. Not counted in ClinVar's aggregate classification.

OMIM
Classification: Pathogenic for MUCOPOLYSACCHARIDOSIS, TYPE IIIC. Last evaluated: 2011-10-01. Review status: no assertion criteria provided. Collection method: literature only. Allele origin: germline. Not counted in ClinVar's aggregate classification.

Literature cited by the submitters: PubMed 31228227 (cited by Natera, Inc.); PubMed 16199547 (cited by Labcorp Genetics (formerly Invitae), Labcorp); PubMed 17033958 (cited by Labcorp Genetics (formerly Invitae), Labcorp); PubMed 19479962 (cited by Labcorp Genetics (formerly Invitae), Labcorp); PubMed 25859010 (cited by Labcorp Genetics (formerly Invitae), Labcorp); PubMed 18518886 (cited by 3 submitters); PubMed 20825431 (cited by 4 submitters); PubMed 25491247 (cited by Counsyl); PubMed 25525159 (cited by Counsyl).

NM_152419.3(HGSNAT):c.372-2A>G

Gene: HGSNAT (heparan-alpha-glucosaminide N-acetyltransferase; plus strand). Cytogenetic location: 8p11.21.
Variant type: single nucleotide variant.
Coding change: c.372-2A>G on transcript NM_152419.3 (MANE Select); the canonical splice acceptor site of the intron before coding-DNA position 372, A replaced by G.
Molecular consequence: splice acceptor variant.
Genome position (GRCh38, 1-based): chr8:43,158,921, A>G. VCF-style: chr8-43158921-A-G. GRCh37 (hg19) VCF-style: chr8-43014064-A-G.
Other names: IVS3AS, A-G, -2; c.372-2A>G (NM_001363227.2, NM_001363228.2); c.-462-2A>G (NM_001363229.2).
Identifiers: ClinVar variation 1236 (VCV000001236.16), dbSNP rs483352896, ClinGen allele CA114870.
Genomic context (GRCh38, chr8:43,158,921, plus strand): 5'-CAAAATCCAACTTCTTATTTTCTAATCTAACCACTTGTCTTAATTTTACCTAATGTTTGT[A>G]GGTTGGAATACAGATTTGGAGAATTTGGAAACTATTCTCTCTTGGTAAAGAACATCCATA-3'